The following is an entry in ClinVar:

NM_001395872.1(LOC122319696):c.69A>G (p.Glu23=)

Gene: LOC122319696 (uncharacterized LOC122319696; minus strand). Cytogenetic location: Xq28.
Variant type: single nucleotide variant.
Coding change: c.69A>G on transcript NM_001395872.1 (MANE Select); coding-DNA position 69, A replaced by G.
Protein change: p.Glu23=; no amino-acid change (glutamic acid 23 retained).
Molecular consequence: synonymous variant.
Genome position (GRCh38, 1-based): chrX:149,415,409, T>C on the plus strand (A>G on the coding strand, the complement: LOC122319696 is on the minus strand). VCF-style: chrX-149415409-T-C. GRCh37 (hg19) VCF-style: chrX-148496940-T-C.
Identifiers: ClinVar variation 2661614 (VCV002661614.23), dbSNP rs140003210, ClinGen allele CA337031445.
Genomic context (GRCh38, chrX:149,415,409, plus strand): 5'-GGCCCTGGGTTGACAGGATTTCTTCATCTTGTTCTTCCCTTTTGTGCTTGAGATTAATTG[T>C]TCTGTGCTTGGGTTTGATTGCTCCATAACTTTGCTAGATCCCTTCAACTTTCTGGTAACT-3'
Protein context (NP_001382801.1, residues 13-33): KVMEQSNPST[Glu23=]QLISSTKGKN

ClinVar aggregate classification (germline): Likely benign (1 of 4 stars; one submission).

Allele frequency attached by ClinVar (database versions not stated): gnomAD 0.00028; TOPMed 0.00035; 1000 Genomes Project 30x 0.00146; 1000 Genomes Project 0.00159.
gnomAD v4.1: 32 of 111,577 alleles (0.029%); highest among the groups gnomAD compares: East Asian, 0.76%; no homozygotes.

Submission:

CeGaT Center for Human Genetics Tuebingen
Classification: Likely benign. Last evaluated: 2022-03-01. Review status: criteria provided, single submitter. Criteria: CeGaT Center For Human Genetics Tuebingen Variant Classification Criteria Version 2. Collection method: clinical testing. Allele origin: germline. Affected: yes. Observed: 1 variant allele.
Comment: AC231656.1: BP4, BP7